The following is an entry in ClinVar:

ClinVar aggregate classification (germline): Conflicting classifications of pathogenicity. Review status: criteria provided, conflicting classifications (1 of 4 stars). 6 submissions from 6 submitters: Uncertain significance (4); Likely benign (1). 1 of the submissions does not count toward it. Last evaluated 2026-01-26.

Conditions:
Cardiovascular phenotype. Identifiers: MedGen CN230736.
RASopathy. Also called: Noonan spectrum disorder; rasopathies. Identifiers: Orphanet 536391, MedGen C5555857, MONDO:0021060.
Primary dilated cardiomyopathy (DCM). Also called: Dilated Cardiomyopathy. Identifiers: Orphanet 217604, MedGen C0007193, MeSH D002311, MONDO:0005021, HP:0001644. Inheritance: Various modes of inheritance.

Allele frequency attached by ClinVar (database versions not stated): gnomAD exomes below 0.00001; ExAC 0.00001.
gnomAD v4.1: 2 of 1,613,830 alleles (0.00012%); highest among the groups gnomAD compares: South Asian, 0.0022%; no homozygotes.

Submissions (6):

Ambry Genetics
Classification: Uncertain significance for Cardiovascular phenotype. Last evaluated: 2026-01-26. Review status: criteria provided, single submitter. Criteria: Ambry Variant Classification Scheme 2023. Collection method: clinical testing. Allele origin: germline.
Comment: The c.3601C>T (p.R1201W) alteration is located in exon 23 (coding exon 23) of the SOS1 gene. This alteration results from a C to T substitution at nucleotide position 3601, causing the arginine (R) at amino acid position 1201 to be replaced by a tryptophan (W). Based on data from gnomAD, the T allele has an overall frequency of <0.001% (1/251284) total alleles studied. The highest observed frequency was 0.003% (1/30614) of South Asian alleles. Based on insufficient or conflicting evidence, the clinical significance of this alteration remains unclear.

Labcorp Genetics (formerly Invitae), Labcorp
Classification: Uncertain significance for RASopathy. Last evaluated: 2025-12-03. Review status: criteria provided, single submitter. Criteria: Invitae Variant Classification Sherloc (09022015). Collection method: clinical testing. Allele origin: germline.
Comment: This sequence change replaces arginine, which is basic and polar, with tryptophan, which is neutral and slightly polar, at codon 1201 of the SOS1 protein (p.Arg1201Trp). This variant is present in population databases (rs752395541, gnomAD 0.003%). This missense change has been observed in individual(s) with dilated cardiomyopathy (PMID: 32603605). ClinVar contains an entry for this variant (Variation ID: 561742). Invitae Evidence Modeling of protein sequence and biophysical properties (such as structural, functional, and spatial information, amino acid conservation, physicochemical variation, residue mobility, and thermodynamic stability) has been performed for this missense variant. However, the output from this modeling did not meet the statistical confidence thresholds required to predict the impact of this variant on SOS1 protein function. In summary, the available evidence is currently insufficient to determine the role of this variant in disease. Therefore, it has been classified as a Variant of Uncertain Significance.

Blueprint Genetics
Classification: Uncertain significance. Last evaluated: 2021-08-30. Review status: criteria provided, single submitter. Criteria: ACMG Guidelines, 2015. Collection method: clinical testing. Allele origin: germline.

Women's Health and Genetics/Laboratory Corporation of America, LabCorp
Classification: Uncertain significance. Last evaluated: 2018-09-24. Review status: criteria provided, single submitter. Criteria: LabCorp Variant Classification Summary - May 2015. Collection method: clinical testing. Allele origin: germline.
Comment: Variant summary: SOS1 c.3601C>T (p.Arg1201Trp) results in a non-conservative amino acid change in the encoded protein sequence. Three of five in-silico tools predict a damaging effect of the variant on protein function. The variant allele was found at a frequency of 4.1e-06 in 246058 control chromosomes (gnomAD). The available data on variant occurrences in the general population are insufficient to allow any conclusion about variant significance. To our knowledge, no occurrence of c.3601C>T in individuals affected with Noonan Syndrome and Related Conditions and no experimental evidence demonstrating its impact on protein function have been reported. No clinical diagnostic laboratories have submitted clinical-significance assessments for this variant to ClinVar after 2014. Based on the evidence outlined above, the variant was classified as uncertain significance.

GeneDx
Classification: Likely benign. Last evaluated: 2018-03-30. Review status: criteria provided, single submitter. Criteria: GeneDx Variant Classification (06012015). Collection method: clinical testing. Allele origin: germline. Affected: yes.
Comment: This variant is considered likely benign or benign based on one or more of the following criteria: it is a conservative change, it occurs at a poorly conserved position in the protein, it is predicted to be benign by multiple in silico algorithms, and/or has population frequency not consistent with disease.

University of Washington Center for Mendelian Genomics, University of Washington
Classification: Uncertain significance for dilated cardiomyopathy. Review status: no assertion criteria provided. Collection method: research. Allele origin: unknown. Affected: yes. Not counted in ClinVar's aggregate classification.

Literature cited by the submitters: PubMed 32603605 (cited by 3 submitters).

NM_005633.4(SOS1):c.3601C>T (p.Arg1201Trp)

Gene: SOS1 (SOS Ras/Rac guanine nucleotide exchange factor 1; minus strand). Cytogenetic location: 2p22.1.
Variant type: single nucleotide variant.
Coding change: c.3601C>T on transcript NM_005633.4 (MANE Select); coding-DNA position 3601, C replaced by T.
Protein change: p.Arg1201Trp; replaces arginine 1201 with tryptophan.
Molecular consequence: missense variant.
Genome position (GRCh38, 1-based): chr2:38,986,225, G>A on the plus strand (C>T on the coding strand, the complement: SOS1 is on the minus strand). VCF-style: chr2-38986225-G-A. GRCh37 (hg19) VCF-style: chr2-39213366-G-A.
Other names: c.3580C>T, p.Arg1194Trp (NM_001382394.1); c.3556C>T, p.Arg1186Trp (NM_001382395.1); short protein forms R1201W, R1186W, R1194W.
Identifiers: ClinVar variation 561742 (VCV000561742.19), dbSNP rs752395541, ClinGen allele CA1624141.